The following is an entry in ClinVar:

ClinVar aggregate classification (germline): Uncertain significance (1 of 4 stars; one submission).

Conditions:
MKI67-related disorder. Also called: MKI67-related condition.

Allele frequency attached by ClinVar (database versions not stated): gnomAD exomes below 0.00001.
gnomAD v4.1: 1 of 1,614,198 alleles (0.000062%); no homozygotes.

Submission:

PreventionGenetics, part of Exact Sciences
Classification: Uncertain significance for MKI67-related condition. Last evaluated: 2023-08-30. Review status: criteria provided, single submitter. Criteria: ACMG Guidelines, 2015. Collection method: clinical testing. Allele origin: germline.
Comment: The MKI67 c.4601C>T variant is predicted to result in the amino acid substitution p.Ala1534Val. To our knowledge, this variant has not been reported in the literature or in a large population database, indicating this variant is rare. At this time, the clinical significance of this variant is uncertain due to the absence of conclusive functional and genetic evidence.

NM_002417.5(MKI67):c.4601C>T (p.Ala1534Val)

Gene: MKI67 (marker of proliferation Ki-67; minus strand). Cytogenetic location: 10q26.2.
Variant type: single nucleotide variant.
Coding change: c.4601C>T on transcript NM_002417.5 (MANE Select); coding-DNA position 4601, C replaced by T.
Protein change: p.Ala1534Val; replaces alanine 1534 with valine.
Molecular consequence: missense variant.
Genome position (GRCh38, 1-based): chr10:128,107,239, G>A on the plus strand (C>T on the coding strand, the complement: MKI67 is on the minus strand). VCF-style: chr10-128107239-G-A. GRCh37 (hg19) VCF-style: chr10-129905503-G-A.
Other names: c.3521C>T, p.Ala1174Val (NM_001145966.2); short protein forms A1174V, A1534V.
Identifiers: ClinVar variation 2631683 (VCV002631683.1), dbSNP rs2493543379, ClinGen allele CA378728671.